The following is an entry in ClinVar:

ClinVar aggregate classification (germline): Uncertain significance. Review status: criteria provided, multiple submitters, no conflicts (2 of 4 stars). 2 submissions from 2 submitters: Uncertain significance (2). Last evaluated 2025-05-16.

Conditions:
Inborn genetic diseases. Identifiers: MedGen C0950123, MeSH D030342.

Allele frequency attached by ClinVar (database versions not stated): gnomAD exomes below 0.00001; TOPMed below 0.00001; gnomAD 0.00001.
gnomAD v4.1: 2 of 1,613,850 alleles (0.00012%); highest among the groups gnomAD compares: African/African-American, 0.0027%; no homozygotes.

Submissions (2):

Ambry Genetics
Classification: Uncertain significance for Inborn genetic diseases. Last evaluated: 2025-05-16. Review status: criteria provided, single submitter. Criteria: Ambry Variant Classification Scheme 2023. Collection method: clinical testing. Allele origin: germline.

Labcorp Genetics (formerly Invitae), Labcorp
Classification: Uncertain significance. Last evaluated: 2022-01-04. Review status: criteria provided, single submitter. Criteria: Invitae Variant Classification Sherloc (09022015). Collection method: clinical testing. Allele origin: germline.
Comment: In summary, the available evidence is currently insufficient to determine the role of this variant in disease. Therefore, it has been classified as a Variant of Uncertain Significance. Algorithms developed to predict the effect of missense changes on protein structure and function (SIFT, PolyPhen-2, Align-GVGD) all suggest that this variant is likely to be disruptive. This missense change has been observed in individual(s) with clinical features of thrombotic thrombocytopenic purpura (Invitae). This variant is not present in population databases (gnomAD no frequency). This sequence change replaces threonine, which is neutral and polar, with asparagine, which is neutral and polar, at codon 506 of the ADAMTS13 protein (p.Thr506Asn).

NM_139027.6(ADAMTS13):c.1517C>A (p.Thr506Asn)

Gene: ADAMTS13 (ADAM metallopeptidase with thrombospondin type 1 motif 13; plus strand). Cytogenetic location: 9q34.2.
Variant type: single nucleotide variant.
Coding change: c.1517C>A on transcript NM_139027.6 (MANE Select); coding-DNA position 1517, C replaced by A.
Protein change: p.Thr506Asn; replaces threonine 506 with asparagine.
Molecular consequence: missense variant.
Genome position (GRCh38, 1-based): chr9:133,437,830, C>A. VCF-style: chr9-133437830-C-A. GRCh37 (hg19) VCF-style: chr9-136302950-C-A.
Other names: c.1517C>A, p.Thr506Asn (NM_139025.5); c.1424C>A, p.Thr475Asn (NM_139026.6); c.1517C>A (NM_139025.3); short protein forms T475N, T506N.
Identifiers: ClinVar variation 2070089 (VCV002070089.5), dbSNP rs1171129182, ClinGen allele CA375392361.